The following is an entry in ClinVar:

NC_000011.9:g.(?_108137888)_(108225611_?)dup

Genes: ATM (ATM serine/threonine kinase; plus strand), C11orf65 (chromosome 11 open reading frame 65; minus strand), LOC128772356 (melanoma risk locus-associated MPRA allelic enhancer 11:108140516; plus strand), LOC129390354 (MPRA-validated peak1451 silencer; plus strand). Cytogenetic location: 11q22.3.
Variant type: Duplication.
Identifiers: ClinVar variation 583716 (VCV000583716.9).

ClinVar aggregate classification (germline): Pathogenic (1 of 4 stars; one submission).

Conditions:
Ataxia-telangiectasia syndrome (AT). Also called: Ataxia-telangiectasia, complementation group D; AT, COMPLEMENTATION GROUP C; Ataxia-telangiectasia, complementation group E; Cerebello-oculocutaneous telangiectasia; Immunodeficiency with ataxia telangiectasia; ATAXIA-TELANGIECTASIA, COMPLEMENTATION GROUP A. Identifiers: Orphanet 100, MedGen C0004135, MONDO:0008840, OMIM 208900.

Submission:

Labcorp Genetics (formerly Invitae), Labcorp
Classification: Pathogenic for Ataxia-telangiectasia syndrome. Last evaluated: 2022-10-29. Review status: criteria provided, single submitter. Criteria: Invitae Variant Classification Sherloc (09022015). Collection method: clinical testing. Allele origin: germline.
Comment: This variant results in a copy number gain of the genomic region encompassing exon(s) 17-61 of the ATM gene. While the exact position of this variant cannot be determined from the data, sub-genic copy number gains are generally in tandem (PMID: 25640679). This variant is predicted to be in-frame, and likely preserves the integrity of the reading frame. A similar copy number variant has been observed in individual(s) with clinical features of ataxia-telangiectasia (Invitae). In at least one individual the data is consistent with being in trans (on the opposite chromosome) from a pathogenic variant. It has also been observed to segregate with disease in related individuals. For these reasons, this variant has been classified as Pathogenic.

Literature cited by the submitters: PubMed 25640679.